The following is an entry in ClinVar:

NM_000548.5(TSC2):c.1841C>G (p.Ala614Gly)

Gene: TSC2 (TSC complex subunit 2; plus strand). Cytogenetic location: 16p13.3.
Variant type: single nucleotide variant.
Coding change: c.1841C>G on transcript NM_000548.5 (MANE Select); coding-DNA position 1841, C replaced by G.
Protein change: p.Ala614Gly; replaces alanine 614 with glycine.
Molecular consequence: missense variant. On other transcripts: non-coding transcript variant (5).
Genome position (GRCh38, 1-based): chr16:2,071,511, C>G. VCF-style: chr16-2071511-C-G. GRCh37 (hg19) VCF-style: chr16-2121512-C-G.
Other names: c.1841C>G, p.Ala614Gly (NM_001077183.3, NM_001114382.3, NM_001363528.2 and 6 more transcripts); c.1730C>G, p.Ala577Gly (NM_001318827.2, NM_001406670.1, NM_001406678.1); c.1694C>G, p.Ala565Gly (NM_001318829.2, NM_001406675.1, NM_001406676.1 and 1 more transcripts); c.1241C>G, p.Ala414Gly (NM_001318831.2, NM_001406680.1, NM_001406682.1 and 6 more transcripts); c.1874C>G, p.Ala625Gly (NM_001318832.2); c.1931C>G, p.Ala644Gly (NM_001406667.1, NM_001406668.1); c.1829C>G, p.Ala610Gly (NM_001406671.1, NM_001406673.1); c.1784C>G, p.Ala595Gly (NM_001406677.1); and 3 more; short protein forms A166G, A414G, A460G, A565G, A577G, A595G, A610G, A614G.
Identifiers: ClinVar variation 3073790 (VCV003073790.3), dbSNP rs45454398, ClinGen allele CA394273029.

ClinVar aggregate classification (germline): Uncertain significance. Review status: criteria provided, multiple submitters, no conflicts (2 of 4 stars). 2 submissions from 2 submitters: Uncertain significance (2). Last evaluated 2024-10-10.

Conditions:
Tuberous sclerosis 2 (TSC2). Identifiers: Orphanet 805, MedGen C1860707, MONDO:0013199, OMIM 613254.
Tuberous sclerosis syndrome (TSC). Also called: Tuberous Sclerosis Complex; Tuberous sclerosis. Identifiers: Orphanet 805, MedGen C0041341, MONDO:0001734.

Allele frequency attached by ClinVar (database versions not stated): gnomAD exomes below 0.00001.
gnomAD v4.1: 1 of 1,613,572 alleles (0.000062%); highest among the groups gnomAD compares: Non-Finnish European, 0.000085%; no homozygotes.

Submissions (2):

Labcorp Genetics (formerly Invitae), Labcorp
Classification: Uncertain significance for Tuberous sclerosis 2. Last evaluated: 2024-10-10. Review status: criteria provided, single submitter. Criteria: Invitae Variant Classification Sherloc (09022015). Collection method: clinical testing. Allele origin: germline.
Comment: This sequence change replaces alanine, which is neutral and non-polar, with glycine, which is neutral and non-polar, at codon 614 of the TSC2 protein (p.Ala614Gly). This variant is not present in population databases (gnomAD no frequency). This variant has not been reported in the literature in individuals affected with TSC2-related conditions. An algorithm developed to predict the effect of missense changes on protein structure and function (PolyPhen-2) suggests that this variant is likely to be disruptive. This variant disrupts the p.Ala614 amino acid residue in TSC2. Other variant(s) that disrupt this residue have been determined to be pathogenic (PMID: 10205261, 11741832; internal data). This suggests that this residue is clinically significant, and that variants that disrupt this residue are likely to be disease-causing. In summary, the available evidence is currently insufficient to determine the role of this variant in disease. Therefore, it has been classified as a Variant of Uncertain Significance.

All of Us Research Program, National Institutes of Health
Classification: Uncertain significance for Tuberous sclerosis syndrome. Last evaluated: 2023-10-06. Review status: criteria provided, single submitter. Criteria: ACMG Guidelines, 2015. Collection method: clinical testing. Allele origin: germline. Inheritance: Autosomal dominant inheritance. Observed: 1 variant allele, 1 heterozygote.
Comment: This missense variant replaces alanine with glycine at codon 614 of the TSC2 protein. Computational prediction is inconclusive regarding the impact of this variant on protein structure and function (internally defined REVEL score threshold 0.5 < inconclusive < 0.7, PMID: 27666373). To our knowledge, functional studies have not been reported for this variant. This variant has not been reported in individuals affected with TSC2-related disorders in the literature. This variant has not been identified in the general population by the Genome Aggregation Database (gnomAD). A different variant occurring at the same codon, p.Ala614Asp, is a well documented pathogenic mutation (Clinvar variation ID: 49721), indicating that alanine at this position is important for TSC2 protein function.The available evidence is insufficient to determine the role of this variant in disease conclusively. Therefore, this variant is classified as a Variant of Uncertain Significance.

This study involves interpretation of variants in research participants for the purpose of population health screening. Participant phenotype was not available at the time of variant classification. Additional details can be found in publication PMID: 35346344, PMCID: PMC8962531

Literature cited by the submitters: PubMed 10205261 (cited by Labcorp Genetics (formerly Invitae), Labcorp); PubMed 11741832 (cited by Labcorp Genetics (formerly Invitae), Labcorp).